The following is an entry in ClinVar:

ClinVar aggregate classification (germline): Likely pathogenic (1 of 4 stars; one submission).

Submission:

GeneDx
Classification: Likely pathogenic. Last evaluated: 2025-09-09. Review status: criteria provided, single submitter. Criteria: GeneDx Variant Classification Process June 2021. Collection method: clinical testing. Allele origin: germline. Affected: yes.
Comment: Identified in a patient with ectopia lentis (PMID: 38190127); Not observed at significant frequency in large population cohorts (gnomAD); Deletions involving coding exons of this gene are a known mechanism of disease (HGMD); Canonical splice site variant predicted to result in an in-frame loss of the adjacent exon in a gene for which loss of function is a known mechanism of disease; This variant is associated with the following publications: (PMID: 38190127, 12938084)

NM_000138.5(FBN1):c.4210+1G>C

Gene: FBN1 (fibrillin 1; minus strand). Cytogenetic location: 15q21.1.
Variant type: single nucleotide variant.
Coding change: c.4210+1G>C on transcript NM_000138.5 (MANE Select); the canonical splice donor site of the intron after coding-DNA position 4210, G replaced by C.
Molecular consequence: splice donor variant.
Genome position (GRCh38, 1-based): chr15:48,474,254, C>G on the plus strand (G>C on the coding strand, the complement: FBN1 is on the minus strand). VCF-style: chr15-48474254-C-G. GRCh37 (hg19) VCF-style: chr15-48766451-C-G.
Other names: c.4210+1G>C (NM_001406716.1).
Identifiers: ClinVar variation 4813239 (VCV004813239.1).
Genomic context (GRCh38, chr15:48,474,254, plus strand): 5'-AATGTGGAATGCCTGGCTTCTCTGACTAGTGTTGACACAGTTGTTTCCAGCGTGAACATA[C>G]CTGTACAAGTGAAGCCATCACCTGTGTATCCTTCCTTGCACAGACAGCGGTAAGATCCCA-3'